The following is an entry in ClinVar:

ClinVar aggregate classification (germline): Benign/Likely benign. Review status: criteria provided, multiple submitters, no conflicts (2 of 4 stars). 5 submissions from 5 submitters: Benign (4); Likely benign (1). Last evaluated 2026-02-02.

Conditions:
Weill-Marchesani syndrome. Also called: WM Syndrome; Mesodermal dysmorphodystrophy congenital. Identifiers: Orphanet 3449, MedGen C0265313, MONDO:0018096.

Allele frequency attached by ClinVar (database versions not stated): 1000 Genomes Project 30x 0.00328; gnomAD 0.00354 and 0.00397; 1000 Genomes Project 0.00359; ESP Exome Variant Server 0.00416; TOPMed 0.00431; gnomAD exomes 0.00037 and 0.00095; ExAC 0.00156.
gnomAD v4.1: 1,107 of 1,613,126 alleles (0.069%); highest among the groups gnomAD compares: African/African-American, 1.2%; 9 homozygotes.

Submissions (5):

Labcorp Genetics (formerly Invitae), Labcorp
Classification: Benign. Last evaluated: 2026-02-02. Review status: criteria provided, single submitter. Criteria: Invitae Variant Classification Sherloc (09022015). Collection method: clinical testing. Allele origin: germline.

Mayo Clinic Laboratories, Mayo Clinic
Classification: Benign. Last evaluated: 2023-09-28. Review status: criteria provided, single submitter. Criteria: ACMG Guidelines, 2015. Collection method: clinical testing. Allele origin: germline. Observed: 5 variant alleles.
Comment: BS1, BS2, BP4, BP7

GeneDx
Classification: Likely benign. Last evaluated: 2019-01-06. Review status: criteria provided, single submitter. Criteria: GeneDx Variant Classification Process June 2021. Collection method: clinical testing. Allele origin: germline. Affected: yes.
Comment: See Variant Classification Assertion Criteria.

Illumina Laboratory Services, Illumina
Classification: Benign for Weill-Marchesani syndrome. Last evaluated: 2018-01-13. Review status: criteria provided, single submitter. Criteria: ICSL Variant Classification Criteria 13 December 2019. Collection method: clinical testing. Allele origin: germline.
Comment: This variant was observed in the ICSL laboratory as part of a predisposition screen in an ostensibly healthy population. It had not been previously curated by ICSL or reported in the Human Gene Mutation Database (HGMD: prior to June 1st, 2018), and was therefore a candidate for classification through an automated scoring system. Utilizing variant allele frequency, disease prevalence and penetrance estimates, and inheritance mode, an automated score was calculated to assess if this variant is too frequent to cause the disease. Based on the score and internal cut-off values, a variant classified as benign is not then subjected to further curation. The score for this variant resulted in a classification of benign for this disease.

Breakthrough Genomics
Classification: Benign. Review status: criteria provided, single submitter. Criteria: ACMG Guidelines, 2015. Collection method: not provided. Allele origin: germline. Inheritance: Autosomal recessive inheritance. Affected: yes.

NM_030957.4(ADAMTS10):c.204G>A (p.Thr68=)

Gene: ADAMTS10 (ADAM metallopeptidase with thrombospondin type 1 motif 10; minus strand). Cytogenetic location: 19p13.2.
Variant type: single nucleotide variant.
Coding change: c.204G>A on transcript NM_030957.4 (MANE Select); coding-DNA position 204, G replaced by A.
Protein change: p.Thr68=; no amino-acid change (threonine 68 retained).
Molecular consequence: synonymous variant.
Genome position (GRCh38, 1-based): chr19:8,605,243, C>T on the plus strand (G>A on the coding strand, the complement: ADAMTS10 is on the minus strand). VCF-style: chr19-8605243-C-T. GRCh37 (hg19) VCF-style: chr19-8670128-C-T.
Other names: p.Thr68=.
Identifiers: ClinVar variation 787477 (VCV000787477.17), dbSNP rs139761152, ClinGen allele CA9160901.